The following is an entry in ClinVar:

ClinVar aggregate classification (germline): Uncertain significance. Review status: criteria provided, multiple submitters, no conflicts (2 of 4 stars). 2 submissions from 2 submitters: Uncertain significance (2). Last evaluated 2026-01-02.

Conditions:
Inborn genetic diseases. Identifiers: MedGen C0950123, MeSH D030342.

gnomAD v4.1: 100 of 1,614,118 alleles (0.0062%); highest among the groups gnomAD compares: South Asian, 0.1%; no homozygotes.

Submissions (2):

Labcorp Genetics (formerly Invitae), Labcorp
Classification: Uncertain significance. Last evaluated: 2026-01-02. Review status: criteria provided, single submitter. Criteria: Invitae Variant Classification Sherloc (09022015). Collection method: clinical testing. Allele origin: germline.
Comment: This sequence change replaces serine, which is neutral and polar, with isoleucine, which is neutral and non-polar, at codon 1160 of the DNAH9 protein (p.Ser1160Ile). This variant is present in population databases (rs565053303, gnomAD 0.1%). This missense change has been observed in individual(s) with clinical features of primary ciliary dyskinesia (internal data). ClinVar contains an entry for this variant (Variation ID: 3503776). Invitae Evidence Modeling of protein sequence and biophysical properties (such as structural, functional, and spatial information, amino acid conservation, physicochemical variation, residue mobility, and thermodynamic stability) indicates that this missense variant is not expected to disrupt DNAH9 protein function with a negative predictive value of 80%. In summary, the available evidence is currently insufficient to determine the role of this variant in disease. Therefore, it has been classified as a Variant of Uncertain Significance.

Ambry Genetics
Classification: Uncertain significance for Inborn genetic diseases. Last evaluated: 2024-11-08. Review status: criteria provided, single submitter. Criteria: Ambry Variant Classification Scheme 2023. Collection method: clinical testing. Allele origin: germline.

NM_001372.4(DNAH9):c.3479G>T (p.Ser1160Ile)

Gene: DNAH9 (dynein axonemal heavy chain 9; plus strand). Cytogenetic location: 17p12.
Variant type: single nucleotide variant.
Coding change: c.3479G>T on transcript NM_001372.4 (MANE Select); coding-DNA position 3479, G replaced by T.
Protein change: p.Ser1160Ile; replaces serine 1160 with isoleucine.
Molecular consequence: missense variant.
Genome position (GRCh38, 1-based): chr17:11,679,882, G>T. VCF-style: chr17-11679882-G-T. GRCh37 (hg19) VCF-style: chr17-11583199-G-T.
Other names: short protein forms S1160I.
Identifiers: ClinVar variation 3503776 (VCV003503776.2).